The following is an entry in ClinVar:

ClinVar aggregate classification (germline): Uncertain significance (1 of 4 stars; one submission).

Allele frequency attached by ClinVar (database versions not stated): gnomAD exomes below 0.00001.
gnomAD v4.1: 1 of 1,612,276 alleles (0.000062%); highest among the groups gnomAD compares: Non-Finnish European, 0.000085%; no homozygotes.

Submission:

GeneDx
Classification: Uncertain significance. Last evaluated: 2025-12-07. Review status: criteria provided, single submitter. Criteria: GeneDx Variant Classification Process June 2021. Collection method: clinical testing. Allele origin: germline. Affected: yes.
Comment: Has not been previously published as pathogenic or benign to our knowledge; Not observed at significant frequency in large population cohorts (gnomAD); In silico analysis supports that this missense variant has a deleterious effect on protein structure/function

NM_001347721.2(DYRK1A):c.370C>T (p.Arg124Trp)

Gene: DYRK1A (dual specificity tyrosine phosphorylation regulated kinase 1A; plus strand). Cytogenetic location: 21q22.13.
Variant type: single nucleotide variant.
Coding change: c.370C>T on transcript NM_001347721.2 (MANE Select); coding-DNA position 370, C replaced by T.
Protein change: p.Arg124Trp; replaces arginine 124 with tryptophan.
Molecular consequence: missense variant.
Genome position (GRCh38, 1-based): chr21:37,480,707, C>T. VCF-style: chr21-37480707-C-T. GRCh37 (hg19) VCF-style: chr21-38853009-C-T.
Other names: c.370C>T, p.Arg124Trp (NM_001347722.2, NM_130436.2); c.283C>T, p.Arg95Trp (NM_001347723.2); c.397C>T, p.Arg133Trp (NM_001396.5, NM_101395.2, NM_130438.2); short protein forms R124W, R133W, R95W.
Identifiers: ClinVar variation 1309752 (VCV001309752.4), dbSNP rs2052608140, ClinGen allele CA409944209.
Genomic context (GRCh38, chr21:37,480,707, plus strand): 5'-GCAAAAAAGAAGCGAAGACACCAACAGGGCCAGGGAGACGATTCTAGTCATAAGAAGGAA[C>T]GGAAGGTTTACAATGATGGTTATGATGATGATAACTATGATTATATTGTAAAAAACGGAG-3'
Protein context (NP_001334650.1, residues 114-134): QGDDSSHKKE[Arg124Trp]KVYNDGYDDD